The following is an entry in ClinVar:

ClinVar aggregate classification (germline): Uncertain significance (1 of 4 stars; one submission).

Conditions:
Autosomal recessive osteopetrosis 1. Also called: ALBERS-SCHONBERG DISEASE, AUTOSOMAL RECESSIVE; TCIRG1-Related Osteopetrosis; TCIRG1-Related Autosomal Recessive Osteopetrosis. Identifiers: Orphanet 667, MedGen C1850127, MONDO:0009815, OMIM 259700.

gnomAD v4.1: 12 of 1,613,606 alleles (0.00074%); highest among the groups gnomAD compares: East Asian, 0.022%; no homozygotes.

Submission:

Juno Genomics, Hangzhou Juno Genomics, Inc
Classification: Uncertain significance for Autosomal recessive osteopetrosis 1. Review status: criteria provided, single submitter. Criteria: ACMG Guidelines, 2015. Collection method: clinical testing. Allele origin: germline.
Comment: Absent from controls (or at extremely low frequency if recessive) in Genome Aggregation Database.;Multiple lines of computational evidence support a deleterious effect on the gene or gene product.

NM_006019.4(TCIRG1):c.2192C>G (p.Thr731Ser)

Gene: TCIRG1 (T cell immune regulator 1, ATPase H+ transporting V0 subunit a3; plus strand). Cytogenetic location: 11q13.2.
Variant type: single nucleotide variant.
Coding change: c.2192C>G on transcript NM_006019.4 (MANE Select); coding-DNA position 2192, C replaced by G.
Protein change: p.Thr731Ser; replaces threonine 731 with serine.
Molecular consequence: missense variant.
Genome position (GRCh38, 1-based): chr11:68,050,210, C>G. VCF-style: chr11-68050210-C-G. GRCh37 (hg19) VCF-style: chr11-67817677-C-G.
Other names: c.1298C>G, p.Thr433Ser (NM_001351059.2); c.2192C>G, p.Thr731Ser (NM_001440552.1, NM_001440553.1, NM_001440554.1 and 2 more transcripts); c.2150C>G, p.Thr717Ser (NM_001440555.1, NM_001440556.1, NM_001440563.1); c.1979C>G, p.Thr660Ser (NM_001440559.1, NM_001440560.1, NM_001440561.1 and 2 more transcripts); c.1937C>G, p.Thr646Ser (NM_001440564.1); c.1892C>G, p.Thr631Ser (NM_001440565.1); c.1730C>G, p.Thr577Ser (NM_001440567.1); c.1724C>G, p.Thr575Ser (NM_001440568.1); and 2 more; short protein forms T515S, T575S, T577S, T646S, T660S, T411S, T433S, T631S.
Identifiers: ClinVar variation 5004965 (VCV005004965.2).